The following is an entry in ClinVar:

NM_003622.4(PPFIBP1):c.229del (p.Ser77fs)

Gene: PPFIBP1 (PPFIB scaffold protein 1; plus strand). Cytogenetic location: 12p11.22.
Variant type: Deletion.
Coding change: c.229del on transcript NM_003622.4 (MANE Select); coding-DNA position 229, one base deleted (T; older notation c.229delT).
Protein change: p.Ser77fs; shifts the reading frame from serine 77.
Molecular consequence: frameshift variant. On other transcripts: intron variant (1).
Genome position (GRCh38, 1-based): chr12:27,635,074, T deleted; the last of 2 consecutive T bases (chr12:27,635,073-27,635,074); deleting either gives the same sequence. VCF-style (leftmost placement, unchanged base first): chr12-27635072-AT-A. GRCh37 (hg19) VCF-style: chr12-27788005-AT-A.
Other names: c.229del, p.Ser77fs (NM_001198916.2, NM_177444.3); c.-189-10988del (NM_001198915.2); short protein forms S77fs.
Identifiers: ClinVar variation 5019074 (VCV005019074.2).

ClinVar aggregate classification (germline): Likely pathogenic (1 of 4 stars; one submission).

Conditions:
Neurodevelopmental disorder with seizures, microcephaly, and brain abnormalities (NEDSMBA). Identifiers: MedGen C5774209, MONDO:0859283, OMIM 620024.

Submission:

Juno Genomics, Hangzhou Juno Genomics, Inc
Classification: Likely pathogenic for Neurodevelopmental disorder with seizures, microcephaly, and brain abnormalities. Review status: criteria provided, single submitter. Criteria: ACMG Guidelines, 2015. Collection method: clinical testing. Allele origin: germline.
Comment: Absent from controls (or at extremely low frequency if recessive) in Genome Aggregation Database.;Null variant in a gene where loss of function (LOF) is a known mechanism of disease.